The following is an entry in ClinVar:

NM_003001.5(SDHC):c.329C>T (p.Pro110Leu)

Gene: SDHC (succinate dehydrogenase complex subunit C; plus strand). Cytogenetic location: 1q23.3.
Variant type: single nucleotide variant.
Coding change: c.329C>T on transcript NM_003001.5 (MANE Select); coding-DNA position 329, C replaced by T.
Protein change: p.Pro110Leu; replaces proline 110 with leucine.
Molecular consequence: missense variant. On other transcripts: non-coding transcript variant (1), intron variant (3).
Genome position (GRCh38, 1-based): chr1:161,356,764, C>T. VCF-style: chr1-161356764-C-T. GRCh37 (hg19) VCF-style: chr1-161326554-C-T.
Other names: c.227C>T, p.Pro76Leu (NM_001035512.3); c.170C>T, p.Pro57Leu (NM_001035513.3); c.449C>T, p.Pro150Leu (NM_001407115.1); c.272C>T, p.Pro91Leu (NM_001407116.1); c.266C>T, p.Pro89Leu (NM_001407117.1); c.221C>T, p.Pro74Leu (NM_001407118.1); c.218C>T, p.Pro73Leu (NM_001407119.1, NM_001407120.1); c.242-5565C>T (NM_001035511.3); and 2 more; short protein forms P110L, P57L, P76L, P74L, P89L, P150L, P73L, P91L.
Identifiers: ClinVar variation 571588 (VCV000571588.13), dbSNP rs776485432, ClinGen allele CA047118.

ClinVar aggregate classification (germline): Uncertain significance. Review status: criteria provided, multiple submitters, no conflicts (2 of 4 stars). 3 submissions from 3 submitters: Uncertain significance (3). Last evaluated 2024-10-25.

Conditions:
Pheochromocytoma/paraganglioma syndrome 3. Also called: GLOMUS TUMORS, FAMILIAL, 3; SDHC-Related Hereditary Paraganglioma-Pheochromocytoma Syndrome; Paragangliomas 3; SDHC-Related Hereditary Paraganglioma-Pheochromocytoma Syndrome (Paragangliomas 3). Identifiers: Orphanet 29072, MedGen C1854336, MONDO:0011544, OMIM 605373.
Gastrointestinal stromal tumor. Also called: Gastrointestinal stromal tumor, somatic; Gastrointestinal stroma tumor. Identifiers: Orphanet 44890, MedGen C0238198, MeSH D046152, MONDO:0011719, OMIM 606764, HP:0100723.
Hereditary cancer-predisposing syndrome. Also called: Hereditary neoplastic syndrome; Neoplastic Syndromes, Hereditary; Hereditary Cancer Syndrome; Tumor predisposition. Identifiers: Orphanet 140162, MedGen C0027672, MeSH D009386, MONDO:0015356.

Allele frequency attached by ClinVar (database versions not stated): gnomAD exomes below 0.00001; ExAC 0.00001.
gnomAD v4.1: 1 of 1,614,014 alleles (0.000062%); highest among the groups gnomAD compares: Non-Finnish European, 0.000085%; no homozygotes.

Submissions (3):

Ambry Genetics
Classification: Uncertain significance for Hereditary cancer-predisposing syndrome. Last evaluated: 2024-10-25. Review status: criteria provided, single submitter. Criteria: Ambry Variant Classification Scheme 2023. Collection method: clinical testing. Allele origin: germline.
Comment: The p.P110L variant (also known as c.329C>T), located in coding exon 5 of the SDHC gene, results from a C to T substitution at nucleotide position 329. The proline at codon 110 is replaced by leucine, an amino acid with similar properties. This variant has been reported in an individual with an abdominal paraganglioma (Albattal S et al. Oncotarget, 2019 Oct;10:5919-5931). This amino acid position is highly conserved in available vertebrate species. In addition, this alteration is predicted to be deleterious by in silico analysis. Based on the available evidence, the clinical significance of this variant remains unclear.

Labcorp Genetics (formerly Invitae), Labcorp
Classification: Uncertain significance for Pheochromocytoma/paraganglioma syndrome 3; Gastrointestinal stromal tumor. Last evaluated: 2024-10-13. Review status: criteria provided, single submitter. Criteria: Invitae Variant Classification Sherloc (09022015). Collection method: clinical testing. Allele origin: germline.
Comment: This sequence change replaces proline, which is neutral and non-polar, with leucine, which is neutral and non-polar, at codon 110 of the SDHC protein (p.Pro110Leu). This variant is present in population databases (rs776485432, gnomAD 0.0009%). This missense change has been observed in individual(s) with paraganglioma (PMID: 31666924). ClinVar contains an entry for this variant (Variation ID: 571588). An algorithm developed to predict the effect of missense changes on protein structure and function (PolyPhen-2) suggests that this variant is likely to be disruptive. In summary, the available evidence is currently insufficient to determine the role of this variant in disease. Therefore, it has been classified as a Variant of Uncertain Significance.

GeneDx
Classification: Uncertain significance. Last evaluated: 2020-08-10. Review status: criteria provided, single submitter. Criteria: GeneDx Variant Classification Process June 2021. Collection method: clinical testing. Allele origin: germline. Affected: yes.
Comment: Not observed at a significant frequency in large population cohorts (Lek 2016); In silico analysis supports that this missense variant has a deleterious effect on protein structure/function; Observed in an individual with a paraganglioma (Albattal 2019); This variant is associated with the following publications: (PMID: 31666924)

Literature cited by the submitters: PubMed 31666924 (cited by Ambry Genetics and Labcorp Genetics (formerly Invitae), Labcorp).